The following is an entry in ClinVar:

ClinVar aggregate classification (germline): Benign (1 of 4 stars; one submission).

Allele frequency attached by ClinVar (database versions not stated): TOPMed 0.00002; gnomAD 0.00006; gnomAD exomes 0.00008; ExAC 0.00009; 1000 Genomes Project 30x 0.00031; 1000 Genomes Project 0.00040.
gnomAD v4.1: 127 of 1,614,018 alleles (0.0079%); highest among the groups gnomAD compares: East Asian, 0.28%; 1 homozygote.

Submission:

CeGaT Center for Human Genetics Tuebingen
Classification: Benign. Last evaluated: 2023-01-01. Review status: criteria provided, single submitter. Criteria: CeGaT Center For Human Genetics Tuebingen Variant Classification Criteria Version 2. Collection method: clinical testing. Allele origin: germline. Affected: yes. Observed: 1 variant allele.
Comment: ASXL3: BP4, BS1, BS2

NM_030632.3(ASXL3):c.4303G>A (p.Glu1435Lys)

Gene: ASXL3 (ASXL transcriptional regulator 3; plus strand). Cytogenetic location: 18q12.1.
Variant type: single nucleotide variant.
Coding change: c.4303G>A on transcript NM_030632.3 (MANE Select); coding-DNA position 4303, G replaced by A.
Protein change: p.Glu1435Lys; replaces glutamic acid 1435 with lysine.
Molecular consequence: missense variant.
Genome position (GRCh38, 1-based): chr18:33,744,151, G>A. VCF-style: chr18-33744151-G-A. GRCh37 (hg19) VCF-style: chr18-31324115-G-A.
Other names: short protein forms E1435K.
Identifiers: ClinVar variation 2648655 (VCV002648655.24), dbSNP rs144287211, ClinGen allele CA8934234.